The following is an entry in ClinVar:

NM_001127222.2(CACNA1A):c.394C>T (p.Arg132Trp)

Gene: CACNA1A (calcium voltage-gated channel subunit alpha1 A; minus strand). Cytogenetic location: 19p13.13.
Variant type: single nucleotide variant.
Coding change: c.394C>T on transcript NM_001127222.2 (MANE Select); coding-DNA position 394, C replaced by T.
Protein change: p.Arg132Trp; replaces arginine 132 with tryptophan.
Molecular consequence: missense variant.
Genome position (GRCh38, 1-based): chr19:13,455,112, G>A on the plus strand (C>T on the coding strand, the complement: CACNA1A is on the minus strand). VCF-style: chr19-13455112-G-A. GRCh37 (hg19) VCF-style: chr19-13565926-G-A.
Other names: c.394C>T (NM_001127222.1); c.394C>T, p.Arg132Trp (NM_000068.4, NM_001127221.2, NM_001174080.2 and 1 more transcripts); short protein forms R132W.
Identifiers: ClinVar variation 2944643 (VCV002944643.5), dbSNP rs2513511988, ClinGen allele CA404967745.

ClinVar aggregate classification (germline): Uncertain significance. Review status: criteria provided, multiple submitters, no conflicts (2 of 4 stars). 3 submissions from 3 submitters: Uncertain significance (2). 1 of the submissions does not count toward it. Last evaluated 2024-10-17.

Conditions:
CACNA1A-related disorder. Also called: CACNA1A-related condition.
Episodic ataxia type 2 (EA2). Also called: CEREBELLAR ATAXIA, PAROXYSMAL, ACETAZOLAMIDE-RESPONSIVE; CEREBELLOPATHY, HEREDITARY PAROXYSMAL; EPISODIC ATAXIA, NYSTAGMUS-ASSOCIATED; ACETAZOLAMIDE-RESPONSIVE HEREDITARY PAROXYSMAL CEREBELLAR ATAXIA; ATAXIA, EPISODIC, WITH NYSTAGMUS; ATAXIA, FAMILIAL PAROXYSMAL. Identifiers: Orphanet 97, MedGen C1720416, MONDO:0007163, OMIM 108500.
Developmental and epileptic encephalopathy, 42 (DEE42A). Also called: Epileptic encephalopathy, early infantile, 42; DEVELOPMENTAL AND EPILEPTIC ENCEPHALOPATHY 42A; EPILEPTIC ENCEPHALOPATHY, EARLY INFANTILE, 42A. Identifiers: MedGen C4310716, MONDO:0014917, OMIM 617106.

gnomAD v4.1: 4 of 1,598,100 alleles (0.00025%); highest among the groups gnomAD compares: Non-Finnish European, 0.00034%; no homozygotes.

Submissions (3):

GeneDx
Classification: Uncertain significance. Last evaluated: 2024-10-17. Review status: criteria provided, single submitter. Criteria: GeneDx Variant Classification Process June 2021. Collection method: clinical testing. Allele origin: germline. Affected: yes.
Comment: Not observed at significant frequency in large population cohorts (gnomAD); In silico analysis supports that this missense variant has a deleterious effect on protein structure/function; Has not been previously published as pathogenic or benign to our knowledge

Labcorp Genetics (formerly Invitae), Labcorp
Classification: Uncertain significance for Developmental and epileptic encephalopathy, 42; Episodic ataxia type 2. Last evaluated: 2024-08-20. Review status: criteria provided, single submitter. Criteria: Invitae Variant Classification Sherloc (09022015). Collection method: clinical testing. Allele origin: germline.
Comment: This sequence change replaces arginine, which is basic and polar, with tryptophan, which is neutral and slightly polar, at codon 132 of the CACNA1A protein (p.Arg132Trp). This variant is not present in population databases (gnomAD no frequency). This variant has not been reported in the literature in individuals affected with CACNA1A-related conditions. Invitae Evidence Modeling of protein sequence and biophysical properties (such as structural, functional, and spatial information, amino acid conservation, physicochemical variation, residue mobility, and thermodynamic stability) has been performed for this missense variant. However, the output from this modeling did not meet the statistical confidence thresholds required to predict the impact of this variant on CACNA1A protein function. In summary, the available evidence is currently insufficient to determine the role of this variant in disease. Therefore, it has been classified as a Variant of Uncertain Significance.

PreventionGenetics, part of Exact Sciences
Classification: Uncertain significance for CACNA1A-related condition. Last evaluated: 2024-03-14. Review status: no assertion criteria provided. Collection method: clinical testing. Allele origin: germline. Not counted in ClinVar's aggregate classification.
Comment: The CACNA1A c.394C>T variant is predicted to result in the amino acid substitution p.Arg132Trp. To our knowledge, this variant has not been reported in the literature or in a large population database, indicating this variant is rare. At this time, the clinical significance of this variant is uncertain due to the absence of conclusive functional and genetic evidence.